The following is an entry in ClinVar:

ClinVar aggregate classification (germline): Uncertain significance (1 of 4 stars; one submission).

Allele frequency attached by ClinVar (database versions not stated): gnomAD exomes below 0.00001; TOPMed below 0.00001.
gnomAD v4.1: 1 of 1,609,792 alleles (0.000062%); highest among the groups gnomAD compares: Non-Finnish European, 0.000085%; no homozygotes.

Submission:

Labcorp Genetics (formerly Invitae), Labcorp
Classification: Uncertain significance. Last evaluated: 2021-11-04. Review status: criteria provided, single submitter. Criteria: Invitae Variant Classification Sherloc (09022015). Collection method: clinical testing. Allele origin: germline.
Comment: In summary, the available evidence is currently insufficient to determine the role of this variant in disease. Therefore, it has been classified as a Variant of Uncertain Significance. Algorithms developed to predict the effect of missense changes on protein structure and function (SIFT, PolyPhen-2, Align-GVGD) all suggest that this variant is likely to be tolerated. This variant has not been reported in the literature in individuals affected with SKIV2L-related conditions. This variant is not present in population databases (gnomAD no frequency). This sequence change replaces glycine, which is neutral and non-polar, with aspartic acid, which is acidic and polar, at codon 721 of the SKIV2L protein (p.Gly721Asp).

NM_006929.5(SKIC2):c.2162G>A (p.Gly721Asp)

Gene: SKIC2 (SKI2 subunit of superkiller complex; plus strand). Cytogenetic location: 6p21.33.
Variant type: single nucleotide variant.
Coding change: c.2162G>A on transcript NM_006929.5 (MANE Select); coding-DNA position 2162, G replaced by A.
Protein change: p.Gly721Asp; replaces glycine 721 with aspartic acid.
Molecular consequence: missense variant.
Genome position (GRCh38, 1-based): chr6:31,965,973, G>A. VCF-style: chr6-31965973-G-A. GRCh37 (hg19) VCF-style: chr6-31933750-G-A.
Other names: short protein forms G721D.
Identifiers: ClinVar variation 1424522 (VCV001424522.6), dbSNP rs1273965128, ClinGen allele CA363468719.
Genomic context (GRCh38, chr6:31,965,973, plus strand): 5'-CAGGCCGGGCAGGGCGGAGGGGCCTGGACCCCACAGGCACCGTTATCCTGCTCTGCAAGG[G>A]CCGAGTGCCCGAGATGGCAGACCTGCACCGCATGATGATGGTGAGCGGGCCAGCATGCTC-3'
Protein context (NP_008860.4, residues 711-731): PTGTVILLCK[Gly721Asp]RVPEMADLHR